The following is an entry in ClinVar:

ClinVar aggregate classification (germline): Uncertain significance. Review status: criteria provided, multiple submitters, no conflicts (2 of 4 stars). 2 submissions from 2 submitters: Uncertain significance (2). Last evaluated 2025-09-04.

Conditions:
Hereditary cancer-predisposing syndrome. Also called: Tumor predisposition; Hereditary neoplastic syndrome; Neoplastic Syndromes, Hereditary; Hereditary Cancer Syndrome. Identifiers: Orphanet 140162, MedGen C0027672, MeSH D009386, MONDO:0015356.
EGFR-related lung cancer (EGFR). Identifiers: MedGen CN130014.

gnomAD v4.1: 2 of 1,614,198 alleles (0.00012%); highest among the groups gnomAD compares: Non-Finnish European, 0.00017%; no homozygotes.

Submissions (2):

Labcorp Genetics (formerly Invitae), Labcorp
Classification: Uncertain significance for EGFR-related lung cancer. Last evaluated: 2025-09-04. Review status: criteria provided, single submitter. Criteria: Invitae Variant Classification Sherloc (09022015). Collection method: clinical testing. Allele origin: germline.
Comment: This sequence change replaces threonine, which is neutral and polar, with serine, which is neutral and polar, at codon 430 of the EGFR protein (p.Thr430Ser). This variant is not present in population databases (gnomAD no frequency). This variant has not been reported in the literature in individuals affected with EGFR-related conditions. ClinVar contains an entry for this variant (Variation ID: 1426108). An algorithm developed to predict the effect of missense changes on protein structure and function (PolyPhen-2) suggests that this variant is likely to be tolerated. In summary, the available evidence is currently insufficient to determine the role of this variant in disease. Therefore, it has been classified as a Variant of Uncertain Significance.

Ambry Genetics
Classification: Uncertain significance for Hereditary cancer-predisposing syndrome. Last evaluated: 2024-11-30. Review status: criteria provided, single submitter. Criteria: Ambry Variant Classification Scheme 2023. Collection method: clinical testing. Allele origin: germline.
Comment: The p.T430S variant (also known as c.1289C>G), located in coding exon 11 of the EGFR gene, results from a C to G substitution at nucleotide position 1289. The threonine at codon 430 is replaced by serine, an amino acid with similar properties. This amino acid position is conserved. In addition, the in silico prediction for this alteration is inconclusive. Based on the available evidence, the clinical significance of this variant remains unclear.

NM_005228.5(EGFR):c.1289C>G (p.Thr430Ser)

Gene: EGFR (epidermal growth factor receptor; plus strand). Cytogenetic location: 7p11.2.
Variant type: single nucleotide variant.
Coding change: c.1289C>G on transcript NM_005228.5 (MANE Select); coding-DNA position 1289, C replaced by G.
Protein change: p.Thr430Ser; replaces threonine 430 with serine.
Molecular consequence: missense variant.
Genome position (GRCh38, 1-based): chr7:55,157,744, C>G. VCF-style: chr7-55157744-C-G. GRCh37 (hg19) VCF-style: chr7-55225437-C-G.
Other names: c.1289C>G (NM_005228.3); c.1154C>G, p.Thr385Ser (NM_001346897.2, NM_001346899.2); c.1289C>G, p.Thr430Ser (NM_001346898.2, NM_201282.2, NM_201284.2); c.1130C>G, p.Thr377Ser (NM_001346900.2); c.488C>G, p.Thr163Ser (NM_001346941.2); short protein forms T377S, T163S, T385S, T430S.
Identifiers: ClinVar variation 1426108 (VCV001426108.7), dbSNP rs765369188, ClinGen allele CA367579270.